The following is an entry in ClinVar:

ClinVar aggregate classification (germline): Uncertain significance (1 of 4 stars; one submission).

Conditions:
Primary ciliary dyskinesia. Also called: Ciliary dyskinesia. Identifiers: Orphanet 244, MedGen C0008780, MONDO:0016575, HP:0012265.

Submission:

Labcorp Genetics (formerly Invitae), Labcorp
Classification: Uncertain significance for Primary ciliary dyskinesia. Last evaluated: 2021-04-06. Review status: criteria provided, single submitter. Criteria: Invitae Variant Classification Sherloc (09022015). Collection method: clinical testing. Allele origin: germline.
Comment: In summary, the available evidence is currently insufficient to determine the role of this variant in disease. Therefore, it has been classified as a Variant of Uncertain Significance. Algorithms developed to predict the effect of missense changes on protein structure and function are either unavailable or do not agree on the potential impact of this missense change (SIFT: "Deleterious"; PolyPhen-2: "Probably Damaging"; Align-GVGD: "Class C0"). This variant has not been reported in the literature in individuals with DNAH11-related conditions. This variant is not present in population databases (ExAC no frequency). This sequence change replaces lysine with glutamic acid at codon 570 of the DNAH11 protein (p.Lys570Glu). The lysine residue is moderately conserved and there is a small physicochemical difference between lysine and glutamic acid.

NM_001277115.2(DNAH11):c.1708A>G (p.Lys570Glu)

Gene: DNAH11 (dynein axonemal heavy chain 11; plus strand). Cytogenetic location: 7p15.3.
Variant type: single nucleotide variant.
Coding change: c.1708A>G on transcript NM_001277115.2 (MANE Select); coding-DNA position 1708, A replaced by G.
Protein change: p.Lys570Glu; replaces lysine 570 with glutamic acid.
Molecular consequence: missense variant.
Genome position (GRCh38, 1-based): chr7:21,582,019, A>G. VCF-style: chr7-21582019-A-G. GRCh37 (hg19) VCF-style: chr7-21621637-A-G.
Other names: short protein forms K570E.
Identifiers: ClinVar variation 1348009 (VCV001348009.8), dbSNP rs2128440942, ClinGen allele CA366937451.
Genomic context (GRCh38, chr7:21,582,019, plus strand): 5'-AGGCTTGGGACAATTATTTGTGAAGCTTTCTTTAACTGCAATGGCTTAGAAGCTGCATTT[A>G]AGGTTAGTTCTGAAGAAGCTATCATAAAAAACGTTTACTATGAATAATATAGGCTGTTAA-3'
Protein context (NP_001264044.1, residues 560-580): FNCNGLEAAF[Lys570Glu]LLTIFGNFLE